The following is an entry in ClinVar:

ClinVar aggregate classification (germline): Pathogenic (1 of 4 stars; one submission).

Conditions:
Kostmann syndrome (SCN3). Also called: Autosomal recessive severe congenital neutropenia type 3; KOSTMANN DISEASE. Identifiers: Orphanet 99749, MedGen C5235141, MONDO:0012548, OMIM 610738.

Allele frequency attached by ClinVar (database versions not stated): gnomAD exomes below 0.00001.

Submission:

Labcorp Genetics (formerly Invitae), Labcorp
Classification: Pathogenic for Kostmann syndrome. Last evaluated: 2022-09-28. Review status: criteria provided, single submitter. Criteria: Invitae Variant Classification Sherloc (09022015). Collection method: clinical testing. Allele origin: germline.
Comment: This sequence change creates a premature translational stop signal (p.Gln55*) in the HAX1 gene. It is expected to result in an absent or disrupted protein product. Loss-of-function variants in HAX1 are known to be pathogenic (PMID: 17187068). This variant is present in population databases (no rsID available, gnomAD 0.006%). This variant has not been reported in the literature in individuals affected with HAX1-related conditions. For these reasons, this variant has been classified as Pathogenic.

Literature cited by the submitters: PubMed 17187068.

NM_006118.4(HAX1):c.163C>T (p.Gln55Ter)

Gene: HAX1 (HCLS1 associated protein X-1; plus strand). Cytogenetic location: 1q21.3.
Variant type: single nucleotide variant.
Coding change: c.163C>T on transcript NM_006118.4 (MANE Select); coding-DNA position 163, C replaced by T.
Protein change: p.Gln55Ter; replaces glutamine 55 with a stop codon.
Molecular consequence: nonsense. On other transcripts: intron variant (1).
Genome position (GRCh38, 1-based): chr1:154,273,445, C>T. VCF-style: chr1-154273445-C-T. GRCh37 (hg19) VCF-style: chr1-154245921-C-T.
Other names: c.54-35C>T (NM_001018837.2); short protein forms Q55*.
Identifiers: ClinVar variation 2415426 (VCV002415426.7), dbSNP rs1334392544, ClinGen allele CA342591421.